The following is an entry in ClinVar:

NM_001099922.3(ALG13):c.2213A>G (p.Glu738Gly)

Gene: ALG13 (ALG13 UDP-N-acetylglucosaminyltransferase subunit; plus strand). Cytogenetic location: Xq23.
Variant type: single nucleotide variant.
Coding change: c.2213A>G on transcript NM_001099922.3 (MANE Select); coding-DNA position 2213, A replaced by G.
Protein change: p.Glu738Gly; replaces glutamic acid 738 with glycine.
Molecular consequence: missense variant. On other transcripts: non-coding transcript variant (1).
Genome position (GRCh38, 1-based): chrX:111,727,736, A>G. VCF-style: chrX-111727736-A-G. GRCh37 (hg19) VCF-style: chrX-110970964-A-G.
Other names: c.1901A>G, p.Glu634Gly (NM_001257230.2, NM_001257234.2, NM_001257237.2); c.1979A>G, p.Glu660Gly (NM_001257231.2); c.2213A>G, p.Glu738Gly (NM_001324292.2); c.1727A>G, p.Glu576Gly (NM_001324293.1); short protein forms E738G, E576G, E634G, E660G.
Identifiers: ClinVar variation 238291 (VCV000238291.20), dbSNP rs374174400, ClinGen allele CA10493834.
Genomic context (GRCh38, chrX:111,727,736, plus strand): 5'-CCCCAGGGAATGGACAGATGCCCAGGGGCTTGGAAGAAACTATTACTTTTTATGAAGTTG[A>G]AGAAGGGGATGAGACTGCTTATCCAACTTTACCTGTGAGTGGATCAATGCTTTACTCAAA-3'
Protein context (NP_001093392.1, residues 728-748): LEETITFYEV[Glu738Gly]EGDETAYPTL

ClinVar aggregate classification (germline): Conflicting classifications of pathogenicity. Review status: criteria provided, conflicting classifications (1 of 4 stars). 4 submissions from 4 submitters: Uncertain significance (2); Likely benign (2). Last evaluated 2025-10-24.

Conditions:
ALG13-related disorder. Also called: ALG13-related condition.
Developmental and epileptic encephalopathy, 36 (DEE36). Also called: ALG13-CDG; Epileptic encephalopathy, early infantile, 36; Congenital disorder of glycosylation, type Is. Identifiers: Orphanet 324422, MedGen C4317295, MONDO:0010472, OMIM 300884.

Allele frequency attached by ClinVar (database versions not stated): gnomAD exomes 0.00004 and 0.00006; ExAC 0.00005; gnomAD 0.00005; TOPMed 0.00009; ESP Exome Variant Server 0.00012.
gnomAD v4.1: 74 of 1,208,386 alleles (0.0061%); highest among the groups gnomAD compares: Non-Finnish European, 0.0077%; no homozygotes.

Submissions (4):

Labcorp Genetics (formerly Invitae), Labcorp
Classification: Likely benign for Developmental and epileptic encephalopathy, 36. Last evaluated: 2025-10-24. Review status: criteria provided, single submitter. Criteria: Invitae Variant Classification Sherloc (09022015). Collection method: clinical testing. Allele origin: germline.

PreventionGenetics, part of Exact Sciences
Classification: Uncertain significance for ALG13-related condition. Last evaluated: 2025-05-10. Review status: criteria provided, single submitter. Criteria: ACMG Guidelines, 2015. Collection method: clinical testing. Allele origin: germline.
Comment: The ALG13 c.2213A>G variant is predicted to result in the amino acid substitution p.Glu738Gly. To our knowledge, this variant has not been reported in the literature. This variant is reported in 0.011% of alleles in individuals of African descent in gnomAD. Although we suspect that this variant may be benign, at this time, the clinical significance of this variant is uncertain due to the absence of conclusive functional and genetic evidence.

GeneDx
Classification: Likely benign. Last evaluated: 2019-12-05. Review status: criteria provided, single submitter. Criteria: GeneDx Variant Classification Process June 2021. Collection method: clinical testing. Allele origin: germline. Affected: yes.
Comment: In silico analysis, which includes protein predictors and evolutionary conservation, supports a deleterious effect; Has not been previously published as pathogenic or benign to our knowledge

Mayo Clinic Laboratories, Mayo Clinic
Classification: Uncertain significance. Last evaluated: 2019-11-19. Review status: criteria provided, single submitter. Criteria: ACMG Guidelines, 2015. Collection method: clinical testing. Allele origin: germline. Observed: 1 variant allele.